The following is an entry in ClinVar:

NM_001372.4(DNAH9):c.1889G>A (p.Arg630His)

Gene: DNAH9 (dynein axonemal heavy chain 9; plus strand). Cytogenetic location: 17p12.
Variant type: single nucleotide variant.
Coding change: c.1889G>A on transcript NM_001372.4 (MANE Select); coding-DNA position 1889, G replaced by A.
Protein change: p.Arg630His; replaces arginine 630 with histidine.
Molecular consequence: missense variant.
Genome position (GRCh38, 1-based): chr17:11,640,372, G>A. VCF-style: chr17-11640372-G-A. GRCh37 (hg19) VCF-style: chr17-11543689-G-A.
Other names: p.Arg630His; c.1889G>A (NM_001372.3); short protein forms R630H.
Identifiers: ClinVar variation 1644138 (VCV001644138.12), dbSNP rs111906560, ClinGen allele CA8395010.

ClinVar aggregate classification (germline): Conflicting classifications of pathogenicity. Review status: criteria provided, conflicting classifications (1 of 4 stars). 5 submissions from 5 submitters: Uncertain significance (1); Likely benign (4). Last evaluated 2026-01-26.

Conditions:
Inborn genetic diseases. Identifiers: MedGen C0950123, MeSH D030342.

Allele frequency attached by ClinVar (database versions not stated): gnomAD exomes 0.00017 and 0.00040; ExAC 0.00046; 1000 Genomes Project 30x 0.00109; 1000 Genomes Project 0.00140; ESP Exome Variant Server 0.00169.
gnomAD v4.1: 485 of 1,606,790 alleles (0.03%); highest among the groups gnomAD compares: African/African-American, 0.52%; 3 homozygotes.

Submissions (5):

Labcorp Genetics (formerly Invitae), Labcorp
Classification: Likely benign. Last evaluated: 2026-01-26. Review status: criteria provided, single submitter. Criteria: Invitae Variant Classification Sherloc (09022015). Collection method: clinical testing. Allele origin: germline.

Mayo Clinic Laboratories, Mayo Clinic
Classification: Likely benign. Last evaluated: 2025-10-18. Review status: criteria provided, single submitter. Criteria: ACMG Guidelines, 2015. Collection method: clinical testing. Allele origin: germline. Observed: 1 variant allele.
Comment: BS1, BP4_moderate

Ambry Genetics
Classification: Uncertain significance for Inborn genetic diseases. Last evaluated: 2025-08-12. Review status: criteria provided, single submitter. Criteria: Ambry Variant Classification Scheme 2023. Collection method: clinical testing. Allele origin: germline.

Blueprint Genetics
Classification: Likely benign. Last evaluated: 2024-11-14. Review status: criteria provided, single submitter. Criteria: ACMG Guidelines, 2015. Collection method: clinical testing. Allele origin: germline.

Breakthrough Genomics
Classification: Likely benign. Review status: criteria provided, single submitter. Criteria: ACMG Guidelines, 2015. Collection method: not provided. Allele origin: germline. Inheritance: Autosomal recessive inheritance. Affected: yes.